The following is an entry in ClinVar:

ClinVar aggregate classification (germline): Pathogenic (1 of 4 stars; one submission).

Submission:

Labcorp Genetics (formerly Invitae), Labcorp
Classification: Pathogenic. Last evaluated: 2022-11-08. Review status: criteria provided, single submitter. Criteria: Invitae Variant Classification Sherloc (09022015). Collection method: clinical testing. Allele origin: germline.
Comment: For these reasons, this variant has been classified as Pathogenic. This variant disrupts a region of the ASXL1 protein in which other variant(s) (p.Glu1400*) have been determined to be pathogenic (PMID: 31969346). This suggests that this is a clinically significant region of the protein, and that variants that disrupt it are likely to be disease-causing. This variant has not been reported in the literature in individuals affected with ASXL1-related conditions. This variant is not present in population databases (gnomAD no frequency). This sequence change creates a premature translational stop signal (p.Thr1184Asnfs*9) in the ASXL1 gene. While this is not anticipated to result in nonsense mediated decay, it is expected to disrupt the last 358 amino acid(s) of the ASXL1 protein.

Literature cited by the submitters: PubMed 31969346.

NM_015338.6(ASXL1):c.3550dup (p.Thr1184fs)

Gene: ASXL1 (ASXL transcriptional regulator 1; plus strand). Cytogenetic location: 20q11.21.
Variant type: Duplication.
Coding change: c.3550dup on transcript NM_015338.6 (MANE Select); coding-DNA position 3550, one base duplicated (A; older notation c.3550dupA).
Protein change: p.Thr1184fs; shifts the reading frame from threonine 1184.
Molecular consequence: frameshift variant.
Genome position (GRCh38, 1-based): chr20:32,436,262, A duplicated; the last of 3 consecutive A bases (chr20:32,436,260-32,436,262); duplicating any one gives the same sequence. VCF-style (leftmost placement, unchanged base first): chr20-32436259-G-GA. GRCh37 (hg19) VCF-style: chr20-31024062-G-GA.
Other names: c.3367dup, p.Thr1123fs (NM_001363734.1); short protein forms T1184fs, T1123fs.
Identifiers: ClinVar variation 2100886 (VCV002100886.4), dbSNP rs2515581999, ClinGen allele CA2580098071.